The following is an entry in ClinVar:

NM_000384.3(APOB):c.12024C>T (p.Thr4008=)

Gene: APOB (apolipoprotein B; minus strand). Cytogenetic location: 2p24.1.
Variant type: single nucleotide variant.
Coding change: c.12024C>T on transcript NM_000384.3 (MANE Select); coding-DNA position 12024, C replaced by T.
Protein change: p.Thr4008=; no amino-acid change (threonine 4008 retained).
Molecular consequence: synonymous variant.
Genome position (GRCh38, 1-based): chr2:21,004,332, G>A on the plus strand (C>T on the coding strand, the complement: APOB is on the minus strand). VCF-style: chr2-21004332-G-A. GRCh37 (hg19) VCF-style: chr2-21227204-G-A.
Identifiers: ClinVar variation 334085 (VCV000334085.21), dbSNP rs145269223, ClinGen allele CA048668.

ClinVar aggregate classification (germline): Conflicting classifications of pathogenicity. Review status: criteria provided, conflicting classifications (1 of 4 stars). 8 submissions from 7 submitters: Uncertain significance (2); Benign (1); Likely benign (5). Last evaluated 2025-01-30.

Conditions:
Familial hypercholesterolemia. Also called: Familial hypercholesterolemias; Familial hypercholesterolaemia. Identifiers: MedGen C0020445, MONDO:0005439.
Hypercholesterolemia, autosomal dominant, type B (FHCL2). Also called: Familial Hypercholesterolemia Type B; APOLIPOPROTEIN B-100, FAMILIAL DEFECTIVE; APOLIPOPROTEIN B-100, FAMILIAL LIGAND-DEFECTIVE; HYPERCHOLESTEROLEMIA, FAMILIAL, DUE TO LIGAND-DEFECTIVE APOLIPOPROTEIN B; APOB-Related Familial Hypercholesterolemia, Autosomal Dominant; Familial hypercholesterolemia 2. Identifiers: MedGen C1704417, MONDO:0007751, OMIM 144010.
Familial hypobetalipoproteinemia 1. Also called: Hypobetalipoproteinemia, normotriglyceridemic; Acanthocytosis with hypobetalipoproteinemia; APOB-Related Familial Hypobetalipoproteinemia. Identifiers: MedGen C4551990, MONDO:0014252, OMIM 615558.
Cardiovascular phenotype. Identifiers: MedGen CN230736.

Allele frequency attached by ClinVar (database versions not stated): TOPMed 0.00002; gnomAD exomes 0.00005 and 0.00002; ExAC 0.00010; ESP Exome Variant Server 0.00015; gnomAD 0.00002.
gnomAD v4.1: 32 of 1,613,786 alleles (0.002%); highest among the groups gnomAD compares: Non-Finnish European, 0.0024%; no homozygotes.

Submissions (8):

Labcorp Genetics (formerly Invitae), Labcorp
Classification: Likely benign for Familial hypobetalipoproteinemia 1; Hypercholesterolemia, autosomal dominant, type B. Last evaluated: 2025-01-30. Review status: criteria provided, single submitter. Criteria: Invitae Variant Classification Sherloc (09022015). Collection method: clinical testing. Allele origin: germline.

GENinCode PLC
Classification: Likely benign for Familial hypercholesterolemia. Last evaluated: 2025-01-09. Review status: criteria provided, single submitter. Criteria: ACMG Guidelines, 2015. Collection method: clinical testing. Allele origin: germline.
Comment: This is a synonymous (silent) variant that is not predicted to impact splicing and occurs at a nucleotide which is not highly conserved. This variant has been classified as Likely Benign (BP4, BP7).

Blueprint Genetics
Classification: Likely benign. Last evaluated: 2024-09-09. Review status: criteria provided, single submitter. Criteria: ACMG Guidelines, 2015. Collection method: clinical testing. Allele origin: germline.

Ambry Genetics
Classification: Likely benign for Cardiovascular phenotype. Last evaluated: 2024-08-19. Review status: criteria provided, single submitter. Criteria: Ambry Variant Classification Scheme 2023. Collection method: clinical testing. Allele origin: germline.

Women's Health and Genetics/Laboratory Corporation of America, LabCorp
Classification: Benign. Last evaluated: 2024-05-15. Review status: criteria provided, single submitter. Criteria: LabCorp Variant Classification Summary - May 2015. Collection method: clinical testing. Allele origin: germline.

GeneDx
Classification: Likely benign. Last evaluated: 2018-03-01. Review status: criteria provided, single submitter. Criteria: GeneDx Variant Classification (06012015). Collection method: clinical testing. Allele origin: germline. Affected: yes.
Comment: This variant is considered likely benign or benign based on one or more of the following criteria: it is a conservative change, it occurs at a poorly conserved position in the protein, it is predicted to be benign by multiple in silico algorithms, and/or has population frequency not consistent with disease.

Illumina Laboratory Services, Illumina
Classification: Uncertain significance for Hypercholesterolemia, autosomal dominant, type B. Last evaluated: 2018-01-13. Review status: criteria provided, single submitter. Criteria: ICSL Variant Classification Criteria 13 December 2019. Collection method: clinical testing. Allele origin: germline.

Illumina Laboratory Services, Illumina
Classification: Uncertain significance for Familial hypobetalipoproteinemia 1. Last evaluated: 2018-01-13. Review status: criteria provided, single submitter. Criteria: ICSL Variant Classification Criteria 13 December 2019. Collection method: clinical testing. Allele origin: germline.